The following is an entry in ClinVar:

NM_001375524.1(TRRAP):c.9476T>A (p.Leu3159Gln)

Gene: TRRAP (transformation/transcription domain associated protein; plus strand). Cytogenetic location: 7q22.1.
Variant type: single nucleotide variant.
Coding change: c.9476T>A on transcript NM_001375524.1 (MANE Select); coding-DNA position 9476, T replaced by A.
Protein change: p.Leu3159Gln; replaces leucine 3159 with glutamine.
Molecular consequence: missense variant.
Genome position (GRCh38, 1-based): chr7:98,988,851, T>A. VCF-style: chr7-98988851-T-A. GRCh37 (hg19) VCF-style: chr7-98586474-T-A.
Other names: c.9488T>A, p.Leu3163Gln (NM_001244580.2); c.9401T>A, p.Leu3134Gln (NM_003496.4); short protein forms L3134Q, L3159Q, L3163Q.
Identifiers: ClinVar variation 5007256 (VCV005007256.2).

ClinVar aggregate classification (germline): Uncertain significance (1 of 4 stars; one submission).

Conditions:
Hearing loss, autosomal dominant 75. Also called: DEAFNESS, AUTOSOMAL DOMINANT 75. Identifiers: MedGen C5394059, MONDO:0032911, OMIM 618778.
Developmental delay with or without dysmorphic facies and autism. Identifiers: MedGen C5193106, MONDO:0032760, OMIM 618454.

Submission:

Juno Genomics, Hangzhou Juno Genomics, Inc
Classification: Uncertain significance for Hearing loss, autosomal dominant 75; Developmental delay with or without dysmorphic facies and autism. Review status: criteria provided, single submitter. Criteria: ACMG Guidelines, 2015. Collection method: clinical testing. Allele origin: germline.
Comment: Absent from controls (or at extremely low frequency if recessive) in Genome Aggregation Database.;Missense variant in a gene that has a low rate of benign missense variation.